The following is an entry in ClinVar:

ClinVar aggregate classification (germline): Uncertain significance. Review status: criteria provided, single submitter (1 of 4 stars). 2 submissions from 2 submitters: Uncertain significance (1). 1 of the submissions does not count toward it. Last evaluated 2019-01-22.

Conditions:
Argininosuccinate lyase deficiency. Also called: ARGININOSUCCINIC ACID LYASE DEFICIENCY; ASL DEFICIENCY; Argininosuccinic aciduria. Identifiers: Orphanet 23, MedGen C0268547, MONDO:0008815, OMIM 207900, HP:0025630.

Allele frequency attached by ClinVar (database versions not stated): gnomAD exomes below 0.00001.
gnomAD v4.1: 4 of 1,610,390 alleles (0.00025%); highest among the groups gnomAD compares: Non-Finnish European, 0.00034%; no homozygotes.

Submissions (2):

Labcorp Genetics (formerly Invitae), Labcorp
Classification: Uncertain significance for Argininosuccinate lyase deficiency. Last evaluated: 2019-01-22. Review status: criteria provided, single submitter. Criteria: Invitae Variant Classification Sherloc (09022015). Collection method: clinical testing. Allele origin: germline.
Comment: In summary, the available evidence is currently insufficient to determine the role of this variant in disease. Therefore, it has been classified as a Variant of Uncertain Significance. Algorithms developed to predict the effect of missense changes on protein structure and function (SIFT, PolyPhen-2, Align-GVGD) all suggest that this variant is likely to be tolerated, but these predictions have not been confirmed by published functional studies and their clinical significance is uncertain. This variant has not been reported in the literature in individuals with ASL-related conditions. This variant is not present in population databases (ExAC no frequency). This sequence change replaces leucine with phenylalanine at codon 310 of the ASL protein (p.Leu310Phe). The leucine residue is moderately conserved and there is a small physicochemical difference between leucine and phenylalanine.

Natera, Inc.
Classification: Uncertain significance for Argininosuccinate lyase deficiency. Last evaluated: 2021-07-12. Review status: no assertion criteria provided. Collection method: clinical testing. Allele origin: germline. Not counted in ClinVar's aggregate classification.

NM_000048.4(ASL):c.928C>T (p.Leu310Phe)

Gene: ASL (argininosuccinate lyase; plus strand). Cytogenetic location: 7q11.21.
Variant type: single nucleotide variant.
Coding change: c.928C>T on transcript NM_000048.4 (MANE Select); coding-DNA position 928, C replaced by T.
Protein change: p.Leu310Phe; replaces leucine 310 with phenylalanine.
Molecular consequence: missense variant. On other transcripts: intron variant (1).
Genome position (GRCh38, 1-based): chr7:66,089,285, C>T. VCF-style: chr7-66089285-C-T. GRCh37 (hg19) VCF-style: chr7-65554272-C-T.
Other names: c.928C>T, p.Leu310Phe (NM_001024943.2); c.850C>T, p.Leu284Phe (NM_001024946.2); c.918+110C>T (NM_001024944.2); short protein forms L284F, L310F.
Identifiers: ClinVar variation 836195 (VCV000836195.12), dbSNP rs1168345442, ClinGen allele CA367646150.